The following is an entry in ClinVar:

ClinVar aggregate classification (germline): Likely benign. Review status: criteria provided, single submitter (1 of 4 stars). 2 submissions from 2 submitters: Likely benign (1). 1 of the submissions does not count toward it. Last evaluated 2025-10-15.

Conditions:
RPGRIP1L-related disorder. Also called: RPGRIP1L-related disorders; RPGRIP1L-related condition. Identifiers: MedGen CN239416.
Meckel-Gruber syndrome. Also called: DYSENCEPHALIA SPLANCHNOCYSTICA; GRUBER SYNDROME; Dysencephalia splachnocystica. Identifiers: Orphanet 564, MedGen C0265215, MONDO:0018921.
Joubert syndrome. Also called: Familial aplasia of the vermis; JOUBERT-BOLTSHAUSER SYNDROME. Identifiers: Orphanet 475, MedGen C5979921, MONDO:0018772.

Allele frequency attached by ClinVar (database versions not stated): gnomAD 0.00011; TOPMed 0.00011; 1000 Genomes Project 0.00040; 1000 Genomes Project 30x 0.00062; gnomAD exomes 0.00001 and 0.00002; ExAC 0.00003.
gnomAD v4.1: 23 of 1,609,790 alleles (0.0014%); highest among the groups gnomAD compares: African/African-American, 0.028%; no homozygotes.

Submissions (2):

Labcorp Genetics (formerly Invitae), Labcorp
Classification: Likely benign for Joubert syndrome; Meckel-Gruber syndrome. Last evaluated: 2025-10-15. Review status: criteria provided, single submitter. Criteria: Invitae Variant Classification Sherloc (09022015). Collection method: clinical testing. Allele origin: germline.

PreventionGenetics, part of Exact Sciences
Classification: Likely benign for RPGRIP1L-related condition. Last evaluated: 2021-09-17. Review status: no assertion criteria provided. Collection method: clinical testing. Allele origin: germline. Not counted in ClinVar's aggregate classification.
Comment: This variant is classified as likely benign based on ACMG/AMP sequence variant interpretation guidelines (Richards et al. 2015 PMID: 25741868, with internal and published modifications).

NM_015272.5(RPGRIP1L):c.1029+10C>A

Gene: RPGRIP1L (RPGRIP1 like; minus strand). Cytogenetic location: 16q12.2.
Variant type: single nucleotide variant.
Coding change: c.1029+10C>A on transcript NM_015272.5 (MANE Select); 10 bases into the intron after coding-DNA position 1029, C replaced by A.
Molecular consequence: intron variant.
Genome position (GRCh38, 1-based): chr16:53,672,860, G>T on the plus strand (C>A on the coding strand, the complement: RPGRIP1L is on the minus strand). VCF-style: chr16-53672860-G-T. GRCh37 (hg19) VCF-style: chr16-53706772-G-T.
Other names: c.1029+10C>A (NM_001127897.4, NM_001330538.2, NM_001308334.3 and 1 more transcripts).
Identifiers: ClinVar variation 1122585 (VCV001122585.11), dbSNP rs542635220, ClinGen allele CA8057956.